The following is an entry in ClinVar:

NM_001868.4(CPA1):c.1103C>T (p.Thr368Ile)

Gene: CPA1 (carboxypeptidase A1; plus strand). Cytogenetic location: 7q32.2.
Variant type: single nucleotide variant.
Coding change: c.1103C>T on transcript NM_001868.4 (MANE Select); coding-DNA position 1103, C replaced by T.
Protein change: p.Thr368Ile; replaces threonine 368 with isoleucine.
Molecular consequence: missense variant.
Genome position (GRCh38, 1-based): chr7:130,387,854, C>T. VCF-style: chr7-130387854-C-T. GRCh37 (hg19) VCF-style: chr7-130027695-C-T.
Other names: short protein forms T368I.
Identifiers: ClinVar variation 2563225 (VCV002563225.2), dbSNP rs1554412227, ClinGen allele CA369284241.

ClinVar aggregate classification (germline): Uncertain significance (1 of 4 stars; one submission).

Conditions:
Hereditary pancreatitis (PCTT). Also called: Hereditary chronic pancreatitis; PRSS1-Related Hereditary Pancreatitis. Identifiers: Orphanet 676, MedGen C0238339, MONDO:0008185, OMIM 167800.

Submission:

Ambry Genetics
Classification: Uncertain significance for Hereditary pancreatitis. Last evaluated: 2023-03-30. Review status: criteria provided, single submitter. Criteria: Ambry Variant Classification Scheme 2023. Collection method: clinical testing. Allele origin: germline.
Comment: The p.T368I variant (also known as c.1103C>T), located in coding exon 10 of the CPA1 gene, results from a C to T substitution at nucleotide position 1103. The threonine at codon 368 is replaced by isoleucine, an amino acid with similar properties. This amino acid position is conserved. In addition, this alteration is predicted to be tolerated by in silico analysis. Since supporting evidence is limited at this time, the clinical significance of this alteration remains unclear.